The following is an entry in ClinVar:

NM_052947.4(ALPK2):c.2600A>T (p.Gln867Leu)

Gene: ALPK2 (alpha kinase 2; minus strand). Cytogenetic location: 18q21.31.
Variant type: single nucleotide variant.
Coding change: c.2600A>T on transcript NM_052947.4 (MANE Select); coding-DNA position 2600, A replaced by T.
Protein change: p.Gln867Leu; replaces glutamine 867 with leucine.
Molecular consequence: missense variant.
Genome position (GRCh38, 1-based): chr18:58,537,587, T>A on the plus strand (A>T on the coding strand, the complement: ALPK2 is on the minus strand). VCF-style: chr18-58537587-T-A. GRCh37 (hg19) VCF-style: chr18-56204819-T-A.
Other names: short protein forms Q867L.
Identifiers: ClinVar variation 1793672 (VCV001793672.3), dbSNP rs764215720, ClinGen allele CA402570181.

ClinVar aggregate classification (germline): Uncertain significance (1 of 4 stars; one submission).

Submission:

Ambry Genetics
Classification: Uncertain significance. Last evaluated: 2023-07-18. Review status: criteria provided, single submitter. Criteria: Ambry Variant Classification Scheme 2023. Collection method: clinical testing. Allele origin: germline.
Comment: The p.Q867L variant (also known as c.2600A>T), located in coding exon 4 of the ALPK2 gene, results from an A to T substitution at nucleotide position 2600. The glutamine at codon 867 is replaced by leucine, an amino acid with dissimilar properties. This amino acid position is conserved. In addition, this alteration is predicted to be tolerated by in silico analysis. Since supporting evidence is limited at this time, the clinical significance of this alteration remains unclear.